The following is an entry in ClinVar:

NM_001369.3(DNAH5):c.9842_9843insGATGTGTATAAGAGACAGT (p.Glu3282fs)

Gene: DNAH5 (dynein axonemal heavy chain 5; minus strand). Cytogenetic location: 5p15.2.
Variant type: Insertion.
Coding change: c.9842_9843insGATGTGTATAAGAGACAGT on transcript NM_001369.3 (MANE Select); coding-DNA positions 9842 to 9843, GATGTGTATAAGAGACAGT inserted.
Protein change: p.Glu3282fs; shifts the reading frame from glutamic acid 3282.
Molecular consequence: frameshift variant.
Genome position: GRCh38 VCF-style: chr5-13769014-T-TACTGTCTCTTATACACATC. GRCh37 (hg19) VCF-style: chr5-13769123-T-TACTGTCTCTTATACACATC.
Other names: short protein forms E3282fs.
Identifiers: ClinVar variation 5011004 (VCV005011004.1).

ClinVar aggregate classification (germline): Pathogenic (1 of 4 stars; one submission).

Conditions:
Primary ciliary dyskinesia 3. Identifiers: Orphanet 244, MedGen C1837618, MONDO:0012085, OMIM 608644.

Submission:

Myriad Genetics, Inc.
Classification: Pathogenic for Primary ciliary dyskinesia 3. Last evaluated: 2024-05-14. Review status: criteria provided, single submitter. Criteria: Myriad Autosomal Dominant, Autosomal Recessive and X-Linked Classification Criteria (2023). Collection method: clinical testing. Allele origin: unknown.
Comment: NM_001369.2(DNAH5):c.9842_9843ins19(E3282Mfs*65) is expected to be pathogenic in the context of primary ciliary dyskinesia, DNAH5-related. This variant is predicted to lead to an abnormal or absent protein product due to the creation of a premature termination codon in DNAH5, a gene where loss-of-function variants are known to be pathogenic. Please note: this variant was assessed in the context of healthy population screening.